The following is an entry in ClinVar:

NM_015692.5(CPAMD8):c.4945T>C (p.Tyr1649His)

Gene: CPAMD8 (C3 and PZP like alpha-2-macroglobulin domain containing 8; minus strand). Cytogenetic location: 19p13.11.
Variant type: single nucleotide variant.
Coding change: c.4945T>C on transcript NM_015692.5 (MANE Select); coding-DNA position 4945, T replaced by C.
Protein change: p.Tyr1649His; replaces tyrosine 1649 with histidine.
Molecular consequence: missense variant.
Genome position (GRCh38, 1-based): chr19:16,897,898, A>G on the plus strand (T>C on the coding strand, the complement: CPAMD8 is on the minus strand). VCF-style: chr19-16897898-A-G. GRCh37 (hg19) VCF-style: chr19-17008709-A-G.
Other names: short protein forms Y1649H.
Identifiers: ClinVar variation 1942621 (VCV001942621.5), dbSNP rs760712944, ClinGen allele CA9284419.

ClinVar aggregate classification (germline): Uncertain significance (1 of 4 stars; one submission).

Allele frequency attached by ClinVar (database versions not stated): gnomAD exomes below 0.00001; TOPMed below 0.00001; ExAC 0.00001; gnomAD 0.00001.
gnomAD v4.1: 5 of 1,609,756 alleles (0.00031%); highest among the groups gnomAD compares: African/African-American, 0.0013%; no homozygotes.

Submission:

Labcorp Genetics (formerly Invitae), Labcorp
Classification: Uncertain significance. Last evaluated: 2022-05-17. Review status: criteria provided, single submitter. Criteria: Invitae Variant Classification Sherloc (09022015). Collection method: clinical testing. Allele origin: germline.
Comment: In summary, the available evidence is currently insufficient to determine the role of this variant in disease. Therefore, it has been classified as a Variant of Uncertain Significance. Algorithms developed to predict the effect of missense changes on protein structure and function are either unavailable or do not agree on the potential impact of this missense change (SIFT: "Deleterious"; PolyPhen-2: "Probably Damaging"; Align-GVGD: "Class C0"). This variant has not been reported in the literature in individuals affected with CPAMD8-related conditions. This variant is present in population databases (rs760712944, gnomAD 0.001%). This sequence change replaces tyrosine, which is neutral and polar, with histidine, which is basic and polar, at codon 1696 of the CPAMD8 protein (p.Tyr1696His).